The following is an entry in ClinVar:

ClinVar aggregate classification (germline): Likely pathogenic (1 of 4 stars; one submission).

Conditions:
KSR2-related disorder. Also called: KSR2-related condition.

Submission:

PreventionGenetics, part of Exact Sciences
Classification: Likely pathogenic for KSR2-related condition. Last evaluated: 2022-09-16. Review status: criteria provided, single submitter. Criteria: ACMG Guidelines, 2015. Collection method: clinical testing. Allele origin: germline.
Comment: The KSR2 c.1715+2T>A variant is predicted to disrupt the GT donor site and interfere with normal splicing. To our knowledge, this variant has not been reported in the literature or in a large population database, indicating this variant is rare. Variants that disrupt a canonical splice site in this region of KSR2 are expected to be pathogenic. This variant is interpreted as likely pathogenic.

NM_173598.6(KSR2):c.1802+2T>A

Gene: KSR2 (kinase suppressor of ras 2; minus strand). Cytogenetic location: 12q24.22.
Variant type: single nucleotide variant.
Coding change: c.1802+2T>A on transcript NM_173598.6 (MANE Select); the canonical splice donor site of the intron after coding-DNA position 1802, T replaced by A.
Molecular consequence: splice donor variant.
Genome position (GRCh38, 1-based): chr12:117,530,939, A>T on the plus strand (T>A on the coding strand, the complement: KSR2 is on the minus strand). VCF-style: chr12-117530939-A-T. GRCh37 (hg19) VCF-style: chr12-117968744-A-T.
Identifiers: ClinVar variation 2636966 (VCV002636966.1), dbSNP rs2542061584, ClinGen allele CA386934069.